The following is an entry in ClinVar:

ClinVar aggregate classification (germline): Uncertain significance. Review status: criteria provided, multiple submitters, no conflicts (2 of 4 stars). 2 submissions from 2 submitters: Uncertain significance (2). Last evaluated 2025-03-26.

Conditions:
Colorectal cancer, hereditary nonpolyposis, type 7. Identifiers: Orphanet 144, MedGen C1858380, MONDO:0013725, OMIM 614385.

Submissions (2):

Ambry Genetics
Classification: Uncertain significance. Last evaluated: 2025-03-26. Review status: criteria provided, single submitter. Criteria: Ambry Variant Classification Scheme 2023. Collection method: clinical testing. Allele origin: germline.
Comment: The p.H79L variant (also known as c.236A>T), located in coding exon 1 of the MLH3 gene, results from an A to T substitution at nucleotide position 236. The histidine at codon 79 is replaced by leucine, an amino acid with similar properties. This amino acid position is conserved. In addition, this alteration is predicted to be tolerated by in silico analysis. Based on the available evidence, the clinical significance of this variant remains unclear.

Labcorp Genetics (formerly Invitae), Labcorp
Classification: Uncertain significance for Colorectal cancer, hereditary nonpolyposis, type 7. Last evaluated: 2021-09-16. Review status: criteria provided, single submitter. Criteria: Invitae Variant Classification Sherloc (09022015). Collection method: clinical testing. Allele origin: germline.
Comment: Algorithms developed to predict the effect of missense changes on protein structure and function (SIFT, PolyPhen-2, Align-GVGD) all suggest that this variant is likely to be tolerated. In summary, the available evidence is currently insufficient to determine the role of this variant in disease. Therefore, it has been classified as a Variant of Uncertain Significance. This variant has not been reported in the literature in individuals affected with MLH3-related conditions. This variant is not present in population databases (ExAC no frequency). This sequence change replaces histidine with leucine at codon 79 of the MLH3 protein (p.His79Leu). The histidine residue is moderately conserved and there is a moderate physicochemical difference between histidine and leucine.

NM_001040108.2(MLH3):c.236A>T (p.His79Leu)

Gene: MLH3 (mutL homolog 3; minus strand). Cytogenetic location: 14q24.3.
Variant type: single nucleotide variant.
Coding change: c.236A>T on transcript NM_001040108.2 (MANE Select); coding-DNA position 236, A replaced by T.
Protein change: p.His79Leu; replaces histidine 79 with leucine.
Molecular consequence: missense variant.
Genome position (GRCh38, 1-based): chr14:75,049,420, T>A on the plus strand (A>T on the coding strand, the complement: MLH3 is on the minus strand). VCF-style: chr14-75049420-T-A. GRCh37 (hg19) VCF-style: chr14-75516123-T-A.
Other names: c.236A>T, p.His79Leu (NM_014381.3); c.236A>T (NM_001040108.1); short protein forms H79L.
Identifiers: ClinVar variation 1381577 (VCV001381577.7), dbSNP rs753528013, ClinGen allele CA390451280.